The following is an entry in ClinVar:

ClinVar aggregate classification (germline): Uncertain significance (1 of 4 stars; one submission).

Conditions:
Severe early-onset pulmonary alveolar proteinosis due to MARS deficiency. Also called: PULMONARY ALVEOLAR PROTEINOSIS, REUNION ISLAND; Interstitial lung and liver disease. Identifiers: Orphanet 440427, MedGen C4225400, MONDO:0014206, OMIM 615486.
Charcot-Marie-Tooth disease axonal type 2U. Also called: CHARCOT-MARIE-TOOTH NEUROPATHY, TYPE 2U; CHARCOT-MARIE-TOOTH DISEASE, AXONAL, AUTOSOMAL DOMINANT, TYPE 2U. Identifiers: Orphanet 397735, MedGen C4084821, MONDO:0014566, OMIM 616280.

Submission:

Labcorp Genetics (formerly Invitae), Labcorp
Classification: Uncertain significance for Charcot-Marie-Tooth disease axonal type 2U; Severe early-onset pulmonary alveolar proteinosis due to MARS deficiency. Last evaluated: 2021-10-04. Review status: criteria provided, single submitter. Criteria: Invitae Variant Classification Sherloc (09022015). Collection method: clinical testing. Allele origin: germline.
Comment: This variant is present in population databases (rs763091763, ExAC 0.02%). In summary, the available evidence is currently insufficient to determine the role of this variant in disease. Therefore, it has been classified as a Variant of Uncertain Significance. Algorithms developed to predict the effect of sequence changes on RNA splicing suggest that this variant may create or strengthen a splice site. This variant has not been reported in the literature in individuals affected with MARS-related conditions. This sequence change falls in intron 1 of the MARS gene. It does not directly change the encoded amino acid sequence of the MARS protein.

NM_004990.4(MARS1):c.109+7GTGCTG[3]

Genes: ARHGAP9 (Rho GTPase activating protein 9; minus strand), MARS1 (methionyl-tRNA synthetase 1; plus strand). Cytogenetic location: 12q13.3.
Variant type: Microsatellite.
Coding change: c.109+7GTGCTG[3] on transcript NM_004990.4 (MANE Select); three copies in a row of the 6-base unit GTGCTG starting at c.109+7.
Molecular consequence: intron variant.
Genome position: GRCh38 VCF-style: chr12-57488205-C-CGTGCTG. GRCh37 (hg19) VCF-style: chr12-57881988-C-CGTGCTG.
Other names: c.-204+395CAGCAC[3] (NM_001319850.2).
Identifiers: ClinVar variation 1681672 (VCV001681672.8), dbSNP rs763091763, ClinGen allele CA6650024.